The following is an entry in ClinVar:

ClinVar aggregate classification (germline): Uncertain significance. Review status: criteria provided, multiple submitters, no conflicts (2 of 4 stars). 4 submissions from 4 submitters: Uncertain significance (4). Last evaluated 2026-03-23.

Conditions:
Cystic fibrosis (CF). Also called: MUCOVISCIDOSIS. Identifiers: Orphanet 586, MedGen C0010674, MONDO:0009061, OMIM 219700. Disease mechanism: loss of function.

Allele frequency attached by ClinVar (database versions not stated): gnomAD exomes below 0.00001; ExAC 0.00001; TOPMed 0.00001; gnomAD 0.00003.
gnomAD v4.1: 6 of 1,599,062 alleles (0.00038%); highest among the groups gnomAD compares: African/African-American, 0.004%; no homozygotes.

Submissions (4):

Women's Health and Genetics/Laboratory Corporation of America, LabCorp
Classification: Uncertain significance. Last evaluated: 2026-03-23. Review status: criteria provided, single submitter. Criteria: LabCorp Variant Classification Summary - May 2015. Collection method: clinical testing. Allele origin: germline.
Comment: Variant summary: CFTR c.251A>G (p.Tyr84Cys) results in a non-conservative amino acid change located in the ABC transporter type 1, transmembrane domain (IPR011527) of the encoded protein sequence. Algorithms developed to predict the effect of missense changes on protein structure and function all suggest that this variant is likely to be disruptive. The variant allele was found at a frequency of 1.2e-05 in 250908 control chromosomes. The available data on variant occurrences in the general population are insufficient to allow any conclusion about variant significance. c.251A>G has been observed in at least one heterozygous individual with high immune reactive trypsinogen, however without other CFTR-related manifestations (e.g., Dayangac_2020, Buyuksahin_2022). These report(s) do not provide unequivocal conclusions about association of the variant with Cystic Fibrosis. One publication reports experimental evidence evaluating an impact on protein function, however, does not allow convincing conclusions about the variant effect (Wang_2011). The following publications have been ascertained in the context of this evaluation (PMID: 34842364, 32687833, 21746847). ClinVar contains an entry for this variant (Variation ID: 2581464). Based on the evidence outlined above, the variant was classified as uncertain significance.

Blueprint Genetics
Classification: Uncertain significance. Last evaluated: 2024-10-28. Review status: criteria provided, single submitter. Criteria: ACMG Guidelines, 2015. Collection method: clinical testing. Allele origin: germline.

ARUP Laboratories, Molecular Genetics and Genomics, ARUP Laboratories
Classification: Uncertain significance. Last evaluated: 2024-09-25. Review status: criteria provided, single submitter. Criteria: ARUP Molecular Germline Variant Investigation Process 2024. Collection method: clinical testing. Allele origin: germline.
Comment: The CFTR c.251A>G; p.Tyr84Cys variant (rs769754499; ClinVar Variation ID: 2581464) is reported in the literature in an infant with high immune reactive trypsinogen, but without other CF-related phenotypes or a second variant detected (Dayangac-Erden 2020). This variant is only found on four alleles in the Genome Aggregation Database (v2.1.1), indicating it is not a common polymorphism. Computational analyses predict that this variant is deleterious (REVEL: 0.836). Due to limited information, the clinical significance of this variant is uncertain at this time. References: Dayangac-Erden D et al. Mutations of the CFTR gene and novel variants in Turkish patients with cystic fibrosis: 24-years experience. Clin Chim Acta. 2020 Nov;510:252-259. PMID: 32687833.

Ambry Genetics
Classification: Uncertain significance for Cystic fibrosis. Last evaluated: 2023-09-11. Review status: criteria provided, single submitter. Criteria: Ambry Variant Classification Scheme 2023. Collection method: clinical testing. Allele origin: germline.
Comment: The p.Y84C variant (also known as c.251A>G), located in coding exon 3 of the CFTR gene, results from an A to G substitution at nucleotide position 251. The tyrosine at codon 84 is replaced by cysteine, an amino acid with highly dissimilar properties. This amino acid position is well conserved in available vertebrate species. In addition, this alteration is predicted to be deleterious by in silico analysis. Since supporting evidence is limited at this time, the clinical significance of this alteration remains unclear.

Literature cited by the submitters: PubMed 32687833 (cited by Women's Health and Genetics/Laboratory Corporation of America, LabCorp); PubMed 34842364 (cited by Women's Health and Genetics/Laboratory Corporation of America, LabCorp); PubMed 21746847 (cited by Women's Health and Genetics/Laboratory Corporation of America, LabCorp).

NM_000492.4(CFTR):c.251A>G (p.Tyr84Cys)

Gene: CFTR (CF transmembrane conductance regulator; plus strand). Cytogenetic location: 7q31.2.
Variant type: single nucleotide variant.
Coding change: c.251A>G on transcript NM_000492.4 (MANE Select); coding-DNA position 251, A replaced by G.
Protein change: p.Tyr84Cys; replaces tyrosine 84 with cysteine.
Molecular consequence: missense variant.
Genome position (GRCh38, 1-based): chr7:117,509,120, A>G. VCF-style: chr7-117509120-A-G. GRCh37 (hg19) VCF-style: chr7-117149174-A-G.
Other names: short protein forms Y84C.
Identifiers: ClinVar variation 2581464 (VCV002581464.7), dbSNP rs769754499, ClinGen allele CA4450674.